The following is an entry in ClinVar:

ClinVar aggregate classification (germline): Likely pathogenic (1 of 4 stars; one submission).

Conditions:
Hyperprolinemia type 2 (HYRPRO2). Also called: 1-PYRROLINE-5-CARBOXYLATE DEHYDROGENASE DEFICIENCY; Delta-1-pyrroline-5-carboxylate dehydrogenase deficiency; Deficiency of pyrroline-5-carboxylate reductase. Identifiers: Orphanet 79101, MedGen C2931835, MONDO:0009401, OMIM 239510.

Submission:

Labcorp Genetics (formerly Invitae), Labcorp
Classification: Likely pathogenic for Hyperprolinemia type 2. Last evaluated: 2025-03-17. Review status: criteria provided, single submitter. Criteria: Invitae Variant Classification Sherloc (09022015). Collection method: clinical testing. Allele origin: germline.
Comment: This sequence change affects an acceptor splice site in intron 13 of the ALDH4A1 gene. It is expected to disrupt RNA splicing. Variants that disrupt the donor or acceptor splice site typically lead to a loss of protein function (PMID: 16199547), and loss-of-function variants in ALDH4A1 are known to be pathogenic (PMID: 956388, 4369405, 9700195). This variant is not present in population databases (gnomAD no frequency). This variant has not been reported in the literature in individuals affected with ALDH4A1-related conditions. Algorithms developed to predict the effect of sequence changes on RNA splicing suggest that this variant may disrupt the consensus splice site. In summary, the currently available evidence indicates that the variant is pathogenic, but additional data are needed to prove that conclusively. Therefore, this variant has been classified as Likely Pathogenic.

Literature cited by the submitters: PubMed 16199547; PubMed 956388; PubMed 4369405; PubMed 9700195.

NM_003748.4(ALDH4A1):c.1461-2A>G

Gene: ALDH4A1 (aldehyde dehydrogenase 4 family member A1; minus strand). Cytogenetic location: 1p36.13.
Variant type: single nucleotide variant.
Coding change: c.1461-2A>G on transcript NM_003748.4 (MANE Select); the canonical splice acceptor site of the intron before coding-DNA position 1461, A replaced by G.
Molecular consequence: splice acceptor variant.
Genome position (GRCh38, 1-based): chr1:18,874,583, T>C on the plus strand (A>G on the coding strand, the complement: ALDH4A1 is on the minus strand). VCF-style: chr1-18874583-T-C. GRCh37 (hg19) VCF-style: chr1-19201077-T-C.
Other names: c.1308-2A>G (NM_001319218.2); c.1461-2A>G (NM_170726.3); c.1281-2A>G (NM_001161504.2).
Identifiers: ClinVar variation 3655571 (VCV003655571.2).